The following is an entry in ClinVar:

ClinVar aggregate classification (germline): Pathogenic (1 of 4 stars; one submission).

Conditions:
USH2A-related disorder. Also called: USH2A-related condition; USH2A-related disorders. Identifiers: MedGen CN239332.

Submission:

Myriad Genetics, Inc.
Classification: Pathogenic for USH2A-related disorder. Last evaluated: 2024-06-27. Review status: criteria provided, single submitter. Criteria: Myriad Autosomal Dominant, Autosomal Recessive and X-Linked Classification Criteria (2023). Collection method: clinical testing. Allele origin: unknown.
Comment: NM_206933.2(USH2A):c.3464dupG(S1155Rfs*48) is expected to be pathogenic in the context of USH2A-related disorders. This variant is predicted to lead to an abnormal or absent protein product due to the creation of a premature termination codon in USH2A, a gene where loss-of-function variants are known to be pathogenic. Please note: this variant was assessed in the context of healthy population screening.

NM_206933.4(USH2A):c.3464dup (p.Ser1155fs)

Genes: USH2A (usherin; minus strand), USH2A-AS1 (USH2A antisense RNA 1; plus strand). Cytogenetic location: 1q41.
Variant type: Duplication.
Coding change: c.3464dup on transcript NM_206933.4 (MANE Select); coding-DNA position 3464, one base duplicated (G; older notation c.3464dupG).
Protein change: p.Ser1155fs; shifts the reading frame from serine 1155.
Molecular consequence: frameshift variant.
Genome position (GRCh38, 1-based): chr1:216,199,974, C duplicated on the plus strand (G on the coding strand, the reverse complement: USH2A is on the minus strand). VCF-style (leftmost placement, unchanged base first): chr1-216199973-A-AC. GRCh37 (hg19) VCF-style: chr1-216373315-A-AC.
Other names: c.3464dup, p.Ser1155fs (NM_007123.6); short protein forms S1155fs.
Identifiers: ClinVar variation 5013241 (VCV005013241.1).
Genomic context (GRCh38, chr1:216,199,973, plus strand): 5'-TTGATTTGAGAGTGTTGTCCAGGTAAGTGTCACAGAGTCTGAGCCAATAGGAATGATATA[A>AC]CTTAAAGTCAAGTTTCCCTCTGGGACCCCTGGTTTTGTCTTGTAAGTGACAGCTACACTC-3'